The following is an entry in ClinVar:

ClinVar aggregate classification (germline): Benign/Likely benign. Review status: criteria provided, multiple submitters, no conflicts (2 of 4 stars). 5 submissions from 5 submitters: Benign (1); Likely benign (3). 1 of the submissions does not count toward it. Last evaluated 2026-01-19.

Conditions:
TRMU-related disorder. Also called: TRMU-related condition.
Acute infantile liver failure due to synthesis defect of mtDNA-encoded proteins. Also called: LIVER FAILURE, INFANTILE, TRANSIENT; TRMU Deficiency; Liver failure acute infantile. Identifiers: Orphanet 217371, MedGen C3278664, MONDO:0013111, OMIM 613070.

Allele frequency attached by ClinVar (database versions not stated): gnomAD 0.00013 and 0.00021; gnomAD exomes 0.00023 and 0.00040; TOPMed 0.00026; ExAC 0.00045; 1000 Genomes Project 30x 0.00094; 1000 Genomes Project 0.00120.
gnomAD v4.1: 361 of 1,613,322 alleles (0.022%); highest among the groups gnomAD compares: East Asian, 0.78%; 4 homozygotes.

Submissions (5):

Labcorp Genetics (formerly Invitae), Labcorp
Classification: Benign. Last evaluated: 2026-01-19. Review status: criteria provided, single submitter. Criteria: Invitae Variant Classification Sherloc (09022015). Collection method: clinical testing. Allele origin: germline.

PreventionGenetics, part of Exact Sciences
Classification: Likely benign for TRMU-related condition. Last evaluated: 2024-10-16. Review status: criteria provided, single submitter. Criteria: ACMG Guidelines, 2015. Collection method: clinical testing. Allele origin: germline.
Comment: This variant is classified as likely benign based on ACMG/AMP sequence variant interpretation guidelines (Richards et al. 2015 PMID: 25741868, with internal and published modifications).

Eurofins Ntd Llc (ga)
Classification: Likely benign. Last evaluated: 2018-02-06. Review status: criteria provided, single submitter. Criteria: EGL Classification Definitions 2015. Collection method: clinical testing. Allele origin: germline. Observed: 1 variant allele, 1 heterozygote.

Illumina Laboratory Services, Illumina
Classification: Likely benign for Acute infantile liver failure due to synthesis defect of mtDNA-encoded proteins. Last evaluated: 2018-01-13. Review status: criteria provided, single submitter. Criteria: ICSL Variant Classification Criteria 13 December 2019. Collection method: clinical testing. Allele origin: germline.
Comment: This variant was observed in the ICSL laboratory as part of a predisposition screen in an ostensibly healthy population. It had not been previously curated by ICSL or reported in the Human Gene Mutation Database (HGMD: prior to June 1st, 2018), and was therefore a candidate for classification through an automated scoring system. Utilizing variant allele frequency, disease prevalence and penetrance estimates, and inheritance mode, an automated score was calculated to assess if this variant is too frequent to cause the disease. Based on the score and internal cut-off values, a variant classified as likely benign is not then subjected to further curation. The score for this variant resulted in a classification of likely benign for this disease.

Natera, Inc.
Classification: Benign for Transient infantile liver failure. Last evaluated: 2020-09-16. Review status: no assertion criteria provided. Collection method: clinical testing. Allele origin: germline. Not counted in ClinVar's aggregate classification.

NM_018006.5(TRMU):c.1158G>A (p.Leu386=)

Gene: TRMU (tRNA mitochondrial 2-thiouridylase; plus strand). Cytogenetic location: 22q13.31.
Variant type: single nucleotide variant.
Coding change: c.1158G>A on transcript NM_018006.5 (MANE Select); coding-DNA position 1158, G replaced by A.
Protein change: p.Leu386=; no amino-acid change (leucine 386 retained).
Molecular consequence: synonymous variant. On other transcripts: missense variant (2), non-coding transcript variant (2).
Genome position (GRCh38, 1-based): chr22:46,356,898, G>A. VCF-style: chr22-46356898-G-A. GRCh37 (hg19) VCF-style: chr22-46752795-G-A.
Other names: c.816G>A, p.Leu272= (NM_001282782.2); c.738G>A, p.Leu246= (NM_001282783.2); c.655G>A, p.Gly219Arg (NM_001282784.2); c.1075G>A, p.Gly359Arg (NM_001282785.2); c.655G>A (NM_001282784.1); short protein forms G219R, G359R.
Identifiers: ClinVar variation 342016 (VCV000342016.21), dbSNP rs79874854, ClinGen allele CA10292458.